The following is an entry in ClinVar:

ClinVar aggregate classification (germline): Pathogenic (1 of 4 stars; one submission).

Submission:

Labcorp Genetics (formerly Invitae), Labcorp
Classification: Pathogenic. Last evaluated: 2024-03-16. Review status: criteria provided, single submitter. Criteria: Invitae Variant Classification Sherloc (09022015). Collection method: clinical testing. Allele origin: germline.
Comment: This sequence change creates a premature translational stop signal (p.Ser584*) in the DDX3X gene. It is expected to result in an absent or disrupted protein product. Loss-of-function variants in DDX3X are known to be pathogenic (PMID: 26235985). This variant is not present in population databases (gnomAD no frequency). This variant has not been reported in the literature in individuals affected with DDX3X-related conditions. For these reasons, this variant has been classified as Pathogenic.

Literature cited by the submitters: PubMed 26235985.

NM_001356.5(DDX3X):c.1746_1749dup (p.Ser584Ter)

Gene: DDX3X (DEAD-box helicase 3 X-linked; plus strand). Cytogenetic location: Xp11.4.
Variant type: Duplication.
Coding change: c.1746_1749dup on transcript NM_001356.5 (MANE Select); coding-DNA positions 1746 to 1749, 4 bases duplicated (TAGC; older notation c.1746_1749dupTAGC).
Protein change: p.Ser584Ter; replaces serine 584 with a stop codon.
Molecular consequence: nonsense. On other transcripts: non-coding transcript variant (1).
Genome position (GRCh38, 1-based): chrX:41,346,989-41,346,992, TAGC duplicated. VCF-style (leftmost placement, unchanged base first): chrX-41346988-G-GTAGC. GRCh37 (hg19) VCF-style: chrX-41206241-G-GTAGC.
Other names: c.1746_1749dup, p.Ser584Ter (NM_001193416.3); c.1698_1701dup, p.Ser568Ter (NM_001193417.3); c.1188_1191dup, p.Ser398Ter (NM_001363819.1); short protein forms S398*, S568*, S584*.
Identifiers: ClinVar variation 3646335 (VCV003646335.2).